The following is an entry in ClinVar:

NM_001377229.1(DISP1):c.3874G>A (p.Asp1292Asn)

Gene: DISP1 (dispatched RND transporter family member 1; plus strand). Cytogenetic location: 1q41.
Variant type: single nucleotide variant.
Coding change: c.3874G>A on transcript NM_001377229.1 (MANE Select); coding-DNA position 3874, G replaced by A.
Protein change: p.Asp1292Asn; replaces aspartic acid 1292 with asparagine.
Molecular consequence: missense variant.
Genome position (GRCh38, 1-based): chr1:223,005,271, G>A. VCF-style: chr1-223005271-G-A. GRCh37 (hg19) VCF-style: chr1-223178613-G-A.
Other names: c.3145G>A, p.Asp1049Asn (NM_001350630.2); c.3874G>A, p.Asp1292Asn (NM_001369594.1, NM_001377228.1, NM_032890.5); short protein forms D1292N, D1049N.
Identifiers: ClinVar variation 2115517 (VCV002115517.4), dbSNP rs1429568532, ClinGen allele CA344691682.

ClinVar aggregate classification (germline): Uncertain significance (1 of 4 stars; one submission).

gnomAD v4.1: 2 of 1,613,872 alleles (0.00012%); highest among the groups gnomAD compares: South Asian, 0.0011%; no homozygotes.

Submission:

Labcorp Genetics (formerly Invitae), Labcorp
Classification: Uncertain significance. Last evaluated: 2025-06-02. Review status: criteria provided, single submitter. Criteria: Invitae Variant Classification Sherloc (09022015). Collection method: clinical testing. Allele origin: germline.
Comment: This sequence change replaces aspartic acid, which is acidic and polar, with asparagine, which is neutral and polar, at codon 1292 of the DISP1 protein (p.Asp1292Asn). This variant is not present in population databases (gnomAD no frequency). This variant has not been reported in the literature in individuals affected with DISP1-related conditions. ClinVar contains an entry for this variant (Variation ID: 2115517). An algorithm developed to predict the effect of missense changes on protein structure and function (PolyPhen-2) suggests that this variant is likely to be tolerated. In summary, the available evidence is currently insufficient to determine the role of this variant in disease. Therefore, it has been classified as a Variant of Uncertain Significance.